The following is an entry in ClinVar:

NM_001009944.3(PKD1):c.9918del (p.Tyr3307fs)

Gene: PKD1 (polycystin 1, transient receptor potential channel interacting; minus strand). Cytogenetic location: 16p13.3.
Variant type: Deletion.
Coding change: c.9918del on transcript NM_001009944.3 (MANE Select); coding-DNA position 9918, one base deleted (C; older notation c.9918delC).
Protein change: p.Tyr3307fs; shifts the reading frame from tyrosine 3307.
Molecular consequence: frameshift variant.
Genome position (GRCh38, 1-based): chr16:2,099,866, G deleted on the plus strand (C on the coding strand, the reverse complement: PKD1 is on the minus strand); the first of 2 consecutive G bases (chr16:2,099,866-2,099,867); deleting either gives the same sequence. VCF-style (leftmost placement, unchanged base first): chr16-2099865-AG-A. GRCh37 (hg19) VCF-style: chr16-2149866-AG-A.
Other names: c.9918del, p.Tyr3307fs (NM_000296.4); short protein forms Y3307fs.
Identifiers: ClinVar variation 3900709 (VCV003900709.1).

ClinVar aggregate classification (germline): Pathogenic (1 of 4 stars; one submission).

Conditions:
Polycystic kidney disease, adult type (PKD1). Also called: Polycystic Kidney Disease 1, Autosomal Dominant; Polycystic kidney disease 1; Polycystic kidney disease 1, severe; Polycystic Kidney, Autosomal Dominant; POLYCYSTIC KIDNEY DISEASE 1 WITH OR WITHOUT POLYCYSTIC LIVER DISEASE; POLYCYSTIC KIDNEY DISEASE, ADULT, TYPE I. Identifiers: MedGen C3149841, MONDO:0008263, OMIM 173900.

Submission:

MVZ Medizinische Genetik Mainz
Classification: Pathogenic for Polycystic kidney disease, adult type. Last evaluated: 2025-04-25. Review status: criteria provided, single submitter. Criteria: UK Practice Guidelines For Variant Classification V4 01 2020. Collection method: clinical testing. Allele origin: germline. Inheritance: Autosomal dominant inheritance. Affected: yes. Observed: 1 variant allele.
Comment: ACMG Criteria: PVS1,PM2_SUP,PP4